The following is an entry in ClinVar:

ClinVar aggregate classification (germline): Uncertain significance (1 of 4 stars; one submission).

Conditions:
Neurodevelopmental disorder with or without hyperkinetic movements and seizures, autosomal dominant. Also called: Intellectual disability, autosomal dominant 8. Identifiers: MedGen C3280282, MONDO:0013655, OMIM 614254.

Allele frequency attached by ClinVar (database versions not stated): gnomAD exomes below 0.00001; TOPMed below 0.00001.
gnomAD v4.1: 1 of 1,576,774 alleles (0.000063%); highest among the groups gnomAD compares: Non-Finnish European, 0.000087%; no homozygotes.

Submission:

Labcorp Genetics (formerly Invitae), Labcorp
Classification: Uncertain significance for Neurodevelopmental disorder with or without hyperkinetic movements and seizures, autosomal dominant. Last evaluated: 2025-08-14. Review status: criteria provided, single submitter. Criteria: Invitae Variant Classification Sherloc (09022015). Collection method: clinical testing. Allele origin: germline.
Comment: This sequence change falls in intron 4 of the GRIN1 gene. It does not directly change the encoded amino acid sequence of the GRIN1 protein. It affects a nucleotide within the consensus splice site. This variant is not present in population databases (gnomAD no frequency). This variant has not been reported in the literature in individuals affected with GRIN1-related conditions. ClinVar contains an entry for this variant (Variation ID: 2861809). Variants that disrupt the consensus splice site are a relatively common cause of aberrant splicing (PMID: 17576681, 9536098). Algorithms developed to predict the effect of sequence changes on RNA splicing suggest that this variant is not likely to affect RNA splicing. In summary, the available evidence is currently insufficient to determine the role of this variant in disease. Therefore, it has been classified as a Variant of Uncertain Significance.

Literature cited by the submitters: PubMed 17576681; PubMed 9536098.

NM_007327.4(GRIN1):c.671+5G>A

Gene: GRIN1 (glutamate ionotropic receptor NMDA type subunit 1; plus strand). Cytogenetic location: 9q34.3.
Variant type: single nucleotide variant.
Coding change: c.671+5G>A on transcript NM_007327.4 (MANE Select); 5 bases into the intron after coding-DNA position 671, G replaced by A.
Molecular consequence: intron variant.
Genome position (GRCh38, 1-based): chr9:137,149,114, G>A. VCF-style: chr9-137149114-G-A. GRCh37 (hg19) VCF-style: chr9-140043566-G-A.
Other names: c.734+5G>A (NM_001185090.2, NM_001185091.2); c.671+5G>A (NM_021569.4, NM_000832.7).
Identifiers: ClinVar variation 2861809 (VCV002861809.3), dbSNP rs922811667, ClinGen allele CA201733751.